The following is an entry in ClinVar:

NM_198252.3(GSN):c.254A>T (p.Asp85Val)

Gene: GSN (gelsolin; plus strand). Cytogenetic location: 9q33.2.
Variant type: single nucleotide variant.
Coding change: c.254A>T on transcript NM_198252.3 (MANE Select); coding-DNA position 254, A replaced by T.
Protein change: p.Asp85Val; replaces aspartic acid 85 with valine.
Molecular consequence: missense variant. On other transcripts: 5 prime UTR variant (1).
Genome position (GRCh38, 1-based): chr9:121,302,968, A>T. VCF-style: chr9-121302968-A-T. GRCh37 (hg19) VCF-style: chr9-124065246-A-T.
Other names: c.407A>T, p.Asp136Val (NM_000177.5); c.254A>T, p.Asp85Val (NM_001127662.2, NM_001127664.2, NM_001127665.2 and 10 more transcripts); c.362A>T, p.Asp121Val (NM_001127663.2); c.287A>T, p.Asp96Val (NM_001127666.2, NM_001353063.2, NM_001353064.2 and 13 more transcripts); c.326A>T, p.Asp109Val (NM_001353076.2); c.-401A>T (NM_001353078.2); c.305A>T, p.Asp102Val (NM_001258029.2); c.278A>T, p.Asp93Val (NM_001258030.2); short protein forms D109V, D136V, D96V, D102V, D121V, D85V, D93V.
Identifiers: ClinVar variation 2876144 (VCV002876144.3), dbSNP rs755676763, ClinGen allele CA5220818.
Genomic context (GRCh38, chr9:121,302,968, plus strand): 5'-TAGGCAATGAGTGCAGCCAGGATGAGAGCGGGGCGGCCGCCATCTTTACCGTGCAGCTGG[A>T]TGACTACCTGAACGGCCGGGCCGTGCAGCACCGTGAGGTCCAGGGCTTCGAGTCGGCCAC-3'
Protein context (NP_937895.1, residues 75-95): GAAAIFTVQL[Asp85Val]DYLNGRAVQH

ClinVar aggregate classification (germline): Uncertain significance (1 of 4 stars; one submission).

Allele frequency attached by ClinVar (database versions not stated): ExAC 0.00001; gnomAD exomes 0.00001; TOPMed 0.00001.
gnomAD v4.1: 3 of 1,613,916 alleles (0.00019%); highest among the groups gnomAD compares: Non-Finnish European, 0.00025%; no homozygotes.

Submission:

Labcorp Genetics (formerly Invitae), Labcorp
Classification: Uncertain significance. Last evaluated: 2023-01-24. Review status: criteria provided, single submitter. Criteria: Invitae Variant Classification Sherloc (09022015). Collection method: clinical testing. Allele origin: germline.
Comment: In summary, the available evidence is currently insufficient to determine the role of this variant in disease. Therefore, it has been classified as a Variant of Uncertain Significance. Algorithms developed to predict the effect of missense changes on protein structure and function (SIFT, PolyPhen-2, Align-GVGD) all suggest that this variant is likely to be disruptive. This variant has not been reported in the literature in individuals affected with GSN-related conditions. This variant is present in population databases (rs755676763, gnomAD 0.002%). This sequence change replaces aspartic acid, which is acidic and polar, with valine, which is neutral and non-polar, at codon 136 of the GSN protein (p.Asp136Val).